The following is an entry in ClinVar:

ClinVar aggregate classification (germline): Uncertain significance. Review status: criteria provided, multiple submitters, no conflicts (2 of 4 stars). 2 submissions from 2 submitters: Uncertain significance (2). Last evaluated 2025-09-24.

gnomAD v4.1: 28 of 1,613,216 alleles (0.0017%); highest among the groups gnomAD compares: Admixed American, 0.013%; no homozygotes.

Submissions (2):

Athena Diagnostics
Classification: Uncertain significance. Last evaluated: 2025-09-24. Review status: criteria provided, single submitter. Criteria: Athena Diagnostics Criteria. Collection method: clinical testing. Allele origin: unknown.
Comment: Available data are insufficient to determine the clinical significance of the variant at this time. The frequency of this variant in the general population is higher than would generally be expected for pathogenic variants in this gene. Polyphen and MutationTaster yielded discordant predictions regarding whether this amino acid change is damaging to the protein.

Labcorp Genetics (formerly Invitae), Labcorp
Classification: Uncertain significance. Last evaluated: 2024-06-29. Review status: criteria provided, single submitter. Criteria: Invitae Variant Classification Sherloc (09022015). Collection method: clinical testing. Allele origin: germline.
Comment: This sequence change replaces glutamic acid, which is acidic and polar, with lysine, which is basic and polar, at codon 1466 of the ITPR1 protein (p.Glu1466Lys). This variant is present in population databases (rs746643770, gnomAD 0.01%). This variant has not been reported in the literature in individuals affected with ITPR1-related conditions. Advanced modeling of protein sequence and biophysical properties (such as structural, functional, and spatial information, amino acid conservation, physicochemical variation, residue mobility, and thermodynamic stability) has been performed at Invitae for this missense variant, however the output from this modeling did not meet the statistical confidence thresholds required to predict the impact of this variant on ITPR1 protein function. In summary, the available evidence is currently insufficient to determine the role of this variant in disease. Therefore, it has been classified as a Variant of Uncertain Significance.

Literature cited by the submitters: PubMed 39655431 (cited by Athena Diagnostics).

NM_001378452.1(ITPR1):c.4468G>A (p.Glu1490Lys)

Gene: ITPR1 (inositol 1,4,5-trisphosphate receptor type 1; plus strand). Cytogenetic location: 3p26.1.
Variant type: single nucleotide variant.
Coding change: c.4468G>A on transcript NM_001378452.1 (MANE Select); coding-DNA position 4468, G replaced by A.
Protein change: p.Glu1490Lys; replaces glutamic acid 1490 with lysine.
Molecular consequence: missense variant.
Genome position (GRCh38, 1-based): chr3:4,699,873, G>A. VCF-style: chr3-4699873-G-A. GRCh37 (hg19) VCF-style: chr3-4741557-G-A.
Other names: c.4441G>A, p.Glu1481Lys (NM_001099952.4); c.4423G>A, p.Glu1475Lys (NM_001168272.2); c.4396G>A, p.Glu1466Lys (NM_002222.7); c.4423G>A (NM_001168272.1); short protein forms E1490K, E1466K, E1481K, E1475K.
Identifiers: ClinVar variation 3643643 (VCV003643643.3).